The following is an entry in ClinVar:

ClinVar aggregate classification (germline): Uncertain significance (1 of 4 stars; one submission).

Conditions:
Long QT syndrome (LQTS). Identifiers: MedGen C0023976, MeSH D008133, MONDO:0002442. Disease mechanism: loss of function. Inheritance: Various modes of inheritance.

Allele frequency attached by ClinVar (database versions not stated): TOPMed below 0.00001.

Submission:

Labcorp Genetics (formerly Invitae), Labcorp
Classification: Uncertain significance for Long QT syndrome. Last evaluated: 2022-08-27. Review status: criteria provided, single submitter. Criteria: Invitae Variant Classification Sherloc (09022015). Collection method: clinical testing. Allele origin: germline.
Comment: This variant has not been reported in the literature in individuals affected with ANK2-related conditions. This variant is present in population databases (no rsID available, gnomAD 0.006%). This sequence change replaces glutamine, which is neutral and polar, with leucine, which is neutral and non-polar, at codon 2717 of the ANK2 protein (p.Gln2717Leu). In summary, the available evidence is currently insufficient to determine the role of this variant in disease. Therefore, it has been classified as a Variant of Uncertain Significance. Algorithms developed to predict the effect of missense changes on protein structure and function are either unavailable or do not agree on the potential impact of this missense change (SIFT: "Tolerated"; PolyPhen-2: "Probably Damaging"; Align-GVGD: "Class C0").

NM_001148.6(ANK2):c.8150A>T (p.Gln2717Leu)

Gene: ANK2 (ankyrin 2; plus strand). Cytogenetic location: 4q26.
Variant type: single nucleotide variant.
Coding change: c.8150A>T on transcript NM_001148.6 (MANE Select); coding-DNA position 8150, A replaced by T.
Protein change: p.Gln2717Leu; replaces glutamine 2717 with leucine.
Molecular consequence: missense variant. On other transcripts: intron variant (68).
Genome position (GRCh38, 1-based): chr4:113,356,768, A>T. VCF-style: chr4-113356768-A-T. GRCh37 (hg19) VCF-style: chr4-114277924-A-T.
Other names: c.7916A>T, p.Gln2639Leu (NM_001386142.1); c.4550A>T, p.Gln1517Leu (NM_001386166.1); c.8291A>T, p.Gln2764Leu (NM_001386174.1); c.8267A>T, p.Gln2756Leu (NM_001386175.1); c.4412-4055A>T (NM_001386186.2, NM_001386148.2); c.4214-4055A>T (NM_001354269.3); c.4292-4055A>T (NM_001386187.2); c.4253-4055A>T (NM_001386147.1); and 35 more; short protein forms Q1517L, Q2639L, Q2717L, Q2756L, Q2764L.
Identifiers: ClinVar variation 1718117 (VCV001718117.5), dbSNP rs1459411951, ClinGen allele CA357933170.